The following is an entry in ClinVar:

NM_173628.4(DNAH17):c.4043G>A (p.Arg1348His)

Gene: DNAH17 (dynein axonemal heavy chain 17; minus strand). Cytogenetic location: 17q25.3.
Variant type: single nucleotide variant.
Coding change: c.4043G>A on transcript NM_173628.4 (MANE Select); coding-DNA position 4043, G replaced by A.
Protein change: p.Arg1348His; replaces arginine 1348 with histidine.
Molecular consequence: missense variant.
Genome position (GRCh38, 1-based): chr17:78,514,844, C>T on the plus strand (G>A on the coding strand, the complement: DNAH17 is on the minus strand). VCF-style: chr17-78514844-C-T. GRCh37 (hg19) VCF-style: chr17-76510926-C-T.
Other names: short protein forms R1348H.
Identifiers: ClinVar variation 2347874 (VCV002347874.4), dbSNP rs531471549, ClinGen allele CA8803925.
Genomic context (GRCh38, chr17:78,514,844, plus strand): 5'-TGCATGAGCTGCTGCCAGTGGCGTTCCCGAATGGCAGGGTTCTGCAGCTCGCTCACGGCA[C>T]GCAGGGACGTGATCACGTTTTTCACGGTGTTGTCGAGCCCCACGAAGGCATCCCAGGTTT-3'
Protein context (NP_775899.3, residues 1338-1358): NTVKNVITSL[Arg1348His]AVSELQNPAI

ClinVar aggregate classification (germline): Uncertain significance. Review status: criteria provided, multiple submitters, no conflicts (2 of 4 stars). 2 submissions from 2 submitters: Uncertain significance (2). Last evaluated 2021-07-26.

Conditions:
Inborn genetic diseases. Identifiers: MedGen C0950123, MeSH D030342.
Spermatogenic failure 39. Identifiers: MedGen C5231438, MONDO:0032845, OMIM 618643.

Allele frequency attached by ClinVar (database versions not stated): gnomAD exomes 0.00002; gnomAD 0.00004; ExAC 0.00006; 1000 Genomes Project 30x 0.00016; 1000 Genomes Project 0.00020.
gnomAD v4.1: 34 of 1,614,012 alleles (0.0021%); highest among the groups gnomAD compares: East Asian, 0.029%; no homozygotes.

Submissions (2):

Ambry Genetics
Classification: Uncertain significance for Inborn genetic diseases. Last evaluated: 2021-07-26. Review status: criteria provided, single submitter. Criteria: Ambry Variant Classification Scheme 2023. Collection method: clinical testing. Allele origin: germline.

Juno Genomics, Hangzhou Juno Genomics, Inc
Classification: Uncertain significance for Spermatogenic failure 39. Review status: criteria provided, single submitter. Criteria: ACMG Guidelines, 2015. Collection method: clinical testing. Allele origin: germline.
Comment: Absent from controls (or at extremely low frequency if recessive) in Genome Aggregation Database.